The following is an entry in ClinVar:

NM_173354.5(SIK1):c.1936G>A (p.Glu646Lys)

Gene: SIK1 (salt inducible kinase 1; minus strand). Cytogenetic location: 21q22.3.
Variant type: single nucleotide variant.
Coding change: c.1936G>A on transcript NM_173354.5 (MANE Select); coding-DNA position 1936, G replaced by A.
Protein change: p.Glu646Lys; replaces glutamic acid 646 with lysine.
Molecular consequence: missense variant.
Genome position (GRCh38, 1-based): chr21:43,417,583, C>T on the plus strand (G>A on the coding strand, the complement: SIK1 is on the minus strand). VCF-style: chr21-43417583-C-T. GRCh37 (hg19) VCF-style: chr21-44837463-C-T.
Other names: short protein forms E646K.
Identifiers: ClinVar variation 2574873 (VCV002574873.1), dbSNP rs2081037509, ClinGen allele CA410607010.

ClinVar aggregate classification (germline): Uncertain significance (1 of 4 stars; one submission).

Submission:

GeneDx
Classification: Uncertain significance. Last evaluated: 2023-02-03. Review status: criteria provided, single submitter. Criteria: GeneDx Variant Classification Process June 2021. Collection method: clinical testing. Allele origin: germline. Affected: yes.
Comment: Not observed at significant frequency in large population cohorts (gnomAD); In silico analysis supports that this missense variant does not alter protein structure/function; Has not been previously published as pathogenic or benign to our knowledge